The following is an entry in ClinVar:

ClinVar aggregate classification (germline): Conflicting classifications of pathogenicity. Review status: criteria provided, conflicting classifications (1 of 4 stars). 9 submissions from 9 submitters: Uncertain significance (4); Likely benign (4). 1 of the submissions does not count toward it. Last evaluated 2026-01-27.

Conditions:
BRCA2-related disorder. Also called: BRCA2-related condition; BRCA2-related disorders. Identifiers: MedGen CN239275.
Hereditary cancer-predisposing syndrome. Also called: Hereditary Cancer Syndrome; Tumor predisposition; Neoplastic Syndromes, Hereditary; Hereditary neoplastic syndrome. Identifiers: Orphanet 140162, MedGen C0027672, MeSH D009386, MONDO:0015356.
Hereditary breast ovarian cancer syndrome. Also called: Hereditary breast and ovarian cancer syndrome; Hereditary breast and/or ovarian cancer syndrome; Hereditary breast and ovarian cancer; Hereditary breast and ovarian cancer syndrome (HBOC); Breast and ovarian cancer; BRCA1- and BRCA2-Associated Hereditary Breast and Ovarian Cancer. Identifiers: Orphanet 145, MedGen C0677776, MeSH D061325, MONDO:0003582. Disease mechanism: loss of function.
Breast-ovarian cancer, familial, susceptibility to, 2 (BROVCA2). Also called: BRCA2 Hereditary Breast and Ovarian Cancer. Identifiers: Orphanet 145, MedGen C2675520, MONDO:0012933, OMIM 612555. Disease mechanism: loss of function.

Allele frequency attached by ClinVar (database versions not stated): gnomAD exomes below 0.00001 and 0.00002; ExAC 0.00002; TOPMed 0.00008; gnomAD 0.00009.
gnomAD v4.1: 21 of 1,614,088 alleles (0.0013%); highest among the groups gnomAD compares: African/African-American, 0.025%; no homozygotes.

Submissions (9):

Labcorp Genetics (formerly Invitae), Labcorp
Classification: Uncertain significance for Hereditary breast ovarian cancer syndrome. Last evaluated: 2026-01-27. Review status: criteria provided, single submitter. Criteria: Invitae Variant Classification Sherloc (09022015). Collection method: clinical testing. Allele origin: germline.
Comment: This sequence change replaces isoleucine, which is neutral and non-polar, with valine, which is neutral and non-polar, at codon 3363 of the BRCA2 protein (p.Ile3363Val). This variant is present in population databases (rs55881945, gnomAD 0.03%). This missense change has been observed in individual(s) with breast cancer (PMID: 22034289). ClinVar contains an entry for this variant (Variation ID: 89039). Invitae Evidence Modeling of protein sequence and biophysical properties (such as structural, functional, and spatial information, amino acid conservation, physicochemical variation, residue mobility, and thermodynamic stability) indicates that this missense variant is not expected to disrupt BRCA2 protein function with a negative predictive value of 95%. In summary, the available evidence is currently insufficient to determine the role of this variant in disease. Therefore, it has been classified as a Variant of Uncertain Significance.

Women's Health and Genetics/Laboratory Corporation of America, LabCorp
Classification: Uncertain significance. Last evaluated: 2025-11-04. Review status: criteria provided, single submitter. Criteria: LabCorp Variant Classification Summary - May 2015. Collection method: clinical testing. Allele origin: germline.
Comment: Variant summary: BRCA2 c.10087A>G (p.Ile3363Val) results in a conservative amino acid change in the encoded protein sequence. Algorithms developed to predict the effect of missense changes on protein structure and function all suggest that this variant is likely to be tolerated. The variant allele was found at a frequency of 1.6e-05 in 251204 control chromosomes. The available data on variant occurrences in the general population are insufficient to allow any conclusion about variant significance. c.10087A>G has been reported in the literature in individuals affected with breast cancer (e.g. Fackenthal_2012, Pal_2015). It has also been reported in 1/2559 African American individuals in the FLOSSIES database (a cohort of women over 70 years of age who have never had cancer). These reports do not provide unequivocal conclusions about association of the variant with Hereditary Breast And Ovarian Cancer Syndrome. To our knowledge, no experimental evidence demonstrating an impact on protein function has been reported. The following publications have been ascertained in the context of this evaluation (PMID: 22034289, 26287763, 28301460). ClinVar contains an entry for this variant (Variation ID: 89039). Based on the evidence outlined above, the variant was classified as uncertain significance.

PreventionGenetics, part of Exact Sciences
Classification: Uncertain significance for BRCA2-related condition. Last evaluated: 2025-10-16. Review status: criteria provided, single submitter. Criteria: ACMG Guidelines, 2015. Collection method: clinical testing. Allele origin: germline.
Comment: The BRCA2 c.10087A>G variant is predicted to result in the amino acid substitution p.Ile3363Val. This variant, also known as 10315A>G in the literature, has been reported in individuals with breast cancer (Fackenthal et al. 2012. PubMed ID: 22034289; Pal et al. 2015. PubMed ID: 26287763). This variant is reported in 0.028% of alleles in individuals of African descent in gnomAD. This variant has conflicting interpretations in ClinVar ranging from uncertain to likely benign (Variation ID: 89039). At this time, the clinical significance of this variant is uncertain due to the absence of conclusive functional and genetic evidence.

Quest Diagnostics Nichols Institute San Juan Capistrano
Classification: Uncertain significance. Last evaluated: 2025-05-01. Review status: criteria provided, single submitter. Criteria: Quest Diagnostics criteria. Collection method: clinical testing. Allele origin: unknown.
Comment: The BRCA2 c.10087A>G (p.Ile3363Val) variant has been reported in the published literature in individuals with breast cancer (PMID: 22034289 (2012), 26287763 (2015), 32566972 (2020), 38709234 (2024)). The frequency of this variant in the general population (Genome Aggregation Database) is uninformative in the assessment of its pathogenicity. Analysis of this variant using bioinformatics tools for the prediction of the effect of amino acid changes on protein structure and function yielded predictions that this variant is benign. Based on the available information, we are unable to determine the clinical significance of this variant.

All of Us Research Program, National Institutes of Health
Classification: Likely benign for Breast-ovarian cancer, familial, susceptibility to, 2. Last evaluated: 2023-11-30. Review status: criteria provided, single submitter. Criteria: ACMG Guidelines, 2015. Collection method: clinical testing. Allele origin: germline. Inheritance: Autosomal dominant inheritance. Observed: 5 variant alleles, 5 heterozygotes.
Comment: This study involves interpretation of variants in research participants for the purpose of population health screening. Participant phenotype was not available at the time of variant classification. Additional details can be found in publication PMID: 35346344, PMCID: PMC8962531

GeneDx
Classification: Likely benign. Last evaluated: 2018-11-26. Review status: criteria provided, single submitter. Criteria: GeneDx Variant Classification Process June 2021. Collection method: clinical testing. Allele origin: germline. Affected: yes.
Comment: This variant is associated with the following publications: (PMID: 22034289, 26287763)

Ambry Genetics
Classification: Likely benign for Hereditary cancer-predisposing syndrome. Last evaluated: 2018-09-29. Review status: criteria provided, single submitter. Criteria: Ambry Variant Classification Scheme 2023. Collection method: clinical testing. Allele origin: germline.

Color Diagnostics, LLC DBA Color Health
Classification: Likely benign for Hereditary cancer-predisposing syndrome. Last evaluated: 2017-03-20. Review status: criteria provided, single submitter. Criteria: ACMG Guidelines, 2015. Collection method: clinical testing. Allele origin: germline.

Counsyl
Classification: Uncertain significance for Breast-ovarian cancer, familial, susceptibility to, 2. Last evaluated: 2017-06-02. Review status: no assertion criteria provided. Collection method: clinical testing. Allele origin: unknown. Not counted in ClinVar's aggregate classification.

Literature cited by the submitters: PubMed 22034289 (cited by 4 submitters); PubMed 26287763 (cited by 3 submitters); PubMed 28301460 (cited by Women's Health and Genetics/Laboratory Corporation of America, LabCorp and Quest Diagnostics Nichols Institute San Juan Capistrano); PubMed 32566972 (cited by Quest Diagnostics Nichols Institute San Juan Capistrano); PubMed 38709234 (cited by Quest Diagnostics Nichols Institute San Juan Capistrano).

NM_000059.4(BRCA2):c.10087A>G (p.Ile3363Val)

Gene: BRCA2 (BRCA2 DNA repair associated; plus strand). Cytogenetic location: 13q13.1.
Variant type: single nucleotide variant.
Coding change: c.10087A>G on transcript NM_000059.4 (MANE Select); coding-DNA position 10087, A replaced by G.
Protein change: p.Ile3363Val; replaces isoleucine 3363 with valine.
Molecular consequence: missense variant.
Genome position (GRCh38, 1-based): chr13:32,398,600, A>G. VCF-style: chr13-32398600-A-G. GRCh37 (hg19) VCF-style: chr13-32972737-A-G.
Other names: p.I3363V:ATA>GTA; short protein forms I3363V.
Identifiers: ClinVar variation 89039 (VCV000089039.31), dbSNP rs55881945, ClinGen allele CA010181.
Genomic context (GRCh38, chr13:32,398,600, plus strand): 5'-GAACTTGCATTGATAAATACCCAAGCTCTTTTGTCTGGTTCAACAGGAGAAAAACAATTT[A>G]TATCTGTCAGTGAATCCACTAGGACTGCTCCCACCAGTTCAGAAGATTATCTCAGACTGA-3'
Protein context (NP_000050.3, residues 3353-3373): LSGSTGEKQF[Ile3363Val]SVSESTRTAP